The following is an entry in ClinVar:

NM_001131016.2(CIZ1):c.1588G>A (p.Glu530Lys)

Gene: CIZ1 (CDKN1A interacting zinc finger protein 1; minus strand). Cytogenetic location: 9q34.11.
Variant type: single nucleotide variant.
Coding change: c.1588G>A on transcript NM_001131016.2 (MANE Select); coding-DNA position 1588, G replaced by A.
Protein change: p.Glu530Lys; replaces glutamic acid 530 with lysine.
Molecular consequence: missense variant.
Genome position (GRCh38, 1-based): chr9:128,178,401, C>T on the plus strand (G>A on the coding strand, the complement: CIZ1 is on the minus strand). VCF-style: chr9-128178401-C-T. GRCh37 (hg19) VCF-style: chr9-130940680-C-T.
Other names: c.1420G>A, p.Glu474Lys (NM_001131015.2); c.1405G>A, p.Glu469Lys (NM_001131017.2); c.1348G>A, p.Glu450Lys (NM_001131018.2); c.1678G>A, p.Glu560Lys (NM_001257975.2); c.1285G>A, p.Glu429Lys (NM_001257976.2); c.1588G>A, p.Glu530Lys (NM_012127.3); short protein forms E429K, E560K, E450K, E530K, E469K, E474K.
Identifiers: ClinVar variation 2015054 (VCV002015054.4), dbSNP rs1458153671, ClinGen allele CA375024877.

ClinVar aggregate classification (germline): Uncertain significance (1 of 4 stars; one submission).

Conditions:
Dystonic disorder. Also called: Dystonia. Identifiers: MedGen C0013421, MONDO:0003441, HP:0001332.

Submission:

Labcorp Genetics (formerly Invitae), Labcorp
Classification: Uncertain significance for Dystonic disorder. Last evaluated: 2022-08-11. Review status: criteria provided, single submitter. Criteria: Invitae Variant Classification Sherloc (09022015). Collection method: clinical testing. Allele origin: germline.
Comment: In summary, the available evidence is currently insufficient to determine the role of this variant in disease. Therefore, it has been classified as a Variant of Uncertain Significance. Algorithms developed to predict the effect of missense changes on protein structure and function (SIFT, PolyPhen-2, Align-GVGD) all suggest that this variant is likely to be disruptive. This variant has not been reported in the literature in individuals affected with CIZ1-related conditions. This variant is not present in population databases (gnomAD no frequency). This sequence change replaces glutamic acid, which is acidic and polar, with lysine, which is basic and polar, at codon 530 of the CIZ1 protein (p.Glu530Lys).